The following is an entry in ClinVar:

NM_003280.3(TNNC1):c.307A>C (p.Met103Leu)

Gene: TNNC1 (troponin C1, slow skeletal and cardiac type; minus strand). Cytogenetic location: 3p21.1.
Variant type: single nucleotide variant.
Coding change: c.307A>C on transcript NM_003280.3 (MANE Select); coding-DNA position 307, A replaced by C.
Protein change: p.Met103Leu; replaces methionine 103 with leucine.
Molecular consequence: missense variant.
Genome position (GRCh38, 1-based): chr3:52,451,754, T>G on the plus strand (A>C on the coding strand, the complement: TNNC1 is on the minus strand). VCF-style: chr3-52451754-T-G. GRCh37 (hg19) VCF-style: chr3-52485770-T-G.
Other names: c.307A>C (NM_003280.2); short protein forms M103L.
Identifiers: ClinVar variation 1502440 (VCV001502440.10), dbSNP rs1472014912, ClinGen allele CA353166964.

ClinVar aggregate classification (germline): Uncertain significance. Review status: criteria provided, multiple submitters, no conflicts (2 of 4 stars). 2 submissions from 2 submitters: Uncertain significance (2). Last evaluated 2026-07-16.

Conditions:
Cardiovascular phenotype. Identifiers: MedGen CN230736.
Dilated cardiomyopathy 1Z (CMD1Z). Identifiers: Orphanet 154, MedGen C2678475, MONDO:0012745, OMIM 611879.
Hypertrophic cardiomyopathy 13. Also called: TNNC1-Related Familial Hypertrophic Cardiomyopathy. Identifiers: MedGen C2750472, MONDO:0013195, OMIM 613243.

Submissions (2):

Ambry Genetics
Classification: Uncertain significance for Cardiovascular phenotype. Last evaluated: 2026-07-16. Review status: criteria provided, single submitter. Criteria: Ambry Variant Classification Scheme 2023. Collection method: clinical testing. Allele origin: germline.

Labcorp Genetics (formerly Invitae), Labcorp
Classification: Uncertain significance for Hypertrophic cardiomyopathy 13; Dilated cardiomyopathy 1Z. Last evaluated: 2022-02-23. Review status: criteria provided, single submitter. Criteria: Invitae Variant Classification Sherloc (09022015). Collection method: clinical testing. Allele origin: germline.
Comment: This sequence change replaces methionine, which is neutral and non-polar, with leucine, which is neutral and non-polar, at codon 103 of the TNNC1 protein (p.Met103Leu). This variant is not present in population databases (gnomAD no frequency). This variant has not been reported in the literature in individuals affected with TNNC1-related conditions. Algorithms developed to predict the effect of missense changes on protein structure and function (SIFT, PolyPhen-2, Align-GVGD) all suggest that this variant is likely to be tolerated. In summary, the available evidence is currently insufficient to determine the role of this variant in disease. Therefore, it has been classified as a Variant of Uncertain Significance.